The following is an entry in ClinVar:

NM_032578.4(MYPN):c.2342A>G (p.Gln781Arg)

Gene: MYPN (myopalladin; plus strand). Cytogenetic location: 10q21.3.
Variant type: single nucleotide variant.
Coding change: c.2342A>G on transcript NM_032578.4 (MANE Select); coding-DNA position 2342, A replaced by G.
Protein change: p.Gln781Arg; replaces glutamine 781 with arginine.
Molecular consequence: missense variant. On other transcripts: non-coding transcript variant (2).
Genome position (GRCh38, 1-based): chr10:68,174,434, A>G. VCF-style: chr10-68174434-A-G. GRCh37 (hg19) VCF-style: chr10-69934191-A-G.
Other names: c.2342A>G, p.Gln781Arg (NM_001256267.2); c.1460A>G, p.Gln487Arg (NM_001256268.2); short protein forms Q781R, Q487R.
Identifiers: ClinVar variation 2625934 (VCV002625934.2), dbSNP rs757709925, ClinGen allele CA376846602.

ClinVar aggregate classification (germline): Uncertain significance (1 of 4 stars; one submission).

Conditions:
Cardiovascular phenotype. Identifiers: MedGen CN230736.

Submission:

Ambry Genetics
Classification: Uncertain significance for Cardiovascular phenotype. Last evaluated: 2023-07-07. Review status: criteria provided, single submitter. Criteria: Ambry Variant Classification Scheme 2023. Collection method: clinical testing. Allele origin: germline.
Comment: The p.Q781R variant (also known as c.2342A>G), located in coding exon 10 of the MYPN gene, results from an A to G substitution at nucleotide position 2342. The glutamine at codon 781 is replaced by arginine, an amino acid with highly similar properties. This amino acid position is well conserved in available vertebrate species. In addition, this alteration is predicted to be tolerated by in silico analysis. Since supporting evidence is limited at this time, the clinical significance of this alteration remains unclear.